The following is an entry in ClinVar:

NM_000090.4(COL3A1):c.393C>T (p.Ser131=)

Gene: COL3A1 (collagen type III alpha 1 chain; plus strand). Cytogenetic location: 2q32.2.
Variant type: single nucleotide variant.
Coding change: c.393C>T on transcript NM_000090.4 (MANE Select); coding-DNA position 393, C replaced by T.
Protein change: p.Ser131=; no amino-acid change (serine 131 retained).
Molecular consequence: synonymous variant.
Genome position (GRCh38, 1-based): chr2:188,985,724, C>T. VCF-style: chr2-188985724-C-T. GRCh37 (hg19) VCF-style: chr2-189850450-C-T.
Identifiers: ClinVar variation 920023 (VCV000920023.13), dbSNP rs1688052638, ClinGen allele CA430308795.

ClinVar aggregate classification (germline): Likely benign. Review status: criteria provided, multiple submitters, no conflicts (2 of 4 stars). 4 submissions from 4 submitters: Likely benign (4). Last evaluated 2023-08-15.

Conditions:
Familial thoracic aortic aneurysm and aortic dissection (TAAD). Also called: Thoracic aortic aneurysms and dissections. Identifiers: Orphanet 91387, MedGen C4707243, MONDO:0019625.
Ehlers-Danlos syndrome, type 4 (EDSVASC). Also called: Ehlers-Danlos Syndrome Type IV; Ehlers-Danlos syndrome vascular type; Ehlers Danlos syndrome, ecchymotic type; Ehlers Danlos syndrome, arterial type; Ehlers Danlos syndrome, Sack-Barabas type. Identifiers: Orphanet 286, MedGen C0268338, MONDO:0017314, OMIM 130050.

Allele frequency attached by ClinVar (database versions not stated): gnomAD exomes below 0.00001.
gnomAD v4.1: 1 of 1,611,580 alleles (0.000062%); highest among the groups gnomAD compares: Non-Finnish European, 0.000085%; no homozygotes.

Submissions (4):

All of Us Research Program, National Institutes of Health
Classification: Likely benign for Ehlers-Danlos syndrome, type 4. Last evaluated: 2023-08-15. Review status: criteria provided, single submitter. Criteria: ACMG Guidelines, 2015. Collection method: clinical testing. Allele origin: germline. Inheritance: Autosomal dominant inheritance. Observed: 2 variant alleles, 2 heterozygotes.
Comment: This study involves interpretation of variants in research participants for the purpose of population health screening. Participant phenotype was not available at the time of variant classification. Additional details can be found in publication PMID: 35346344, PMCID: PMC8962531

Ambry Genetics
Classification: Likely benign for Familial thoracic aortic aneurysm and aortic dissection. Last evaluated: 2022-06-19. Review status: criteria provided, single submitter. Criteria: Ambry Variant Classification Scheme 2023. Collection method: clinical testing. Allele origin: germline.

Labcorp Genetics (formerly Invitae), Labcorp
Classification: Likely benign for Ehlers-Danlos syndrome, type 4. Last evaluated: 2021-06-30. Review status: criteria provided, single submitter. Criteria: Invitae Variant Classification Sherloc (09022015). Collection method: clinical testing. Allele origin: germline.

Color Diagnostics, LLC DBA Color Health
Classification: Likely benign for Familial thoracic aortic aneurysm and aortic dissection. Last evaluated: 2019-12-16. Review status: criteria provided, single submitter. Criteria: ACMG Guidelines, 2015. Collection method: clinical testing. Allele origin: germline.